The following is an entry in ClinVar:

NM_013339.4(ALG6):c.1125T>G (p.Phe375Leu)

Gene: ALG6 (ALG6 alpha-1,3-glucosyltransferase; plus strand). Cytogenetic location: 1p31.3.
Variant type: single nucleotide variant.
Coding change: c.1125T>G on transcript NM_013339.4 (MANE Select); coding-DNA position 1125, T replaced by G.
Protein change: p.Phe375Leu; replaces phenylalanine 375 with leucine.
Molecular consequence: missense variant.
Genome position (GRCh38, 1-based): chr1:63,428,799, T>G. VCF-style: chr1-63428799-T-G. GRCh37 (hg19) VCF-style: chr1-63894470-T-G.
Other names: short protein forms F375L.
Identifiers: ClinVar variation 2001484 (VCV002001484.4), dbSNP rs2523793495, ClinGen allele CA340639889.
Genomic context (GRCh38, chr1:63,428,799, plus strand): 5'-CTGCTTAGTTTTAAGTGAAATTCCTTTTATGTCTACTTGGTTTTTACTTGTGTCAACATT[T>G]AGGTAAGTCATATCAATTTCCATATATTTTCAGTATAATTCTTGTAAACTAATTTAAAAC-3'
Protein context (NP_037471.2, residues 365-385): MSTWFLLVST[Phe375Leu]SMLPLLLKDE

ClinVar aggregate classification (germline): Uncertain significance (1 of 4 stars; one submission).

Conditions:
ALG6-congenital disorder of glycosylation 1C (CDG1C). Also called: CARBOHYDRATE-DEFICIENT GLYCOPROTEIN SYNDROME, TYPE I, WITH DEFICIENT GLYCOSYLATION OF DOLICHOL-LINKED OLIGOSACCHARIDE; CARBOHYDRATE-DEFICIENT GLYCOPROTEIN SYNDROME, TYPE V; Congenital disorder of glycosylation type 1C; CDG Ic; Congenital disorder of glycosylation, type Ic. Identifiers: Orphanet 79320, MedGen C2930997, MONDO:0011291, OMIM 603147.

Submission:

Labcorp Genetics (formerly Invitae), Labcorp
Classification: Uncertain significance for ALG6-congenital disorder of glycosylation 1C. Last evaluated: 2022-05-31. Review status: criteria provided, single submitter. Criteria: Invitae Variant Classification Sherloc (09022015). Collection method: clinical testing. Allele origin: germline.
Comment: This sequence change replaces phenylalanine, which is neutral and non-polar, with leucine, which is neutral and non-polar, at codon 375 of the ALG6 protein (p.Phe375Leu). This variant is not present in population databases (gnomAD no frequency). In summary, the available evidence is currently insufficient to determine the role of this variant in disease. Therefore, it has been classified as a Variant of Uncertain Significance. Algorithms developed to predict the effect of sequence changes on RNA splicing suggest that this variant may create or strengthen a splice site. Algorithms developed to predict the effect of missense changes on protein structure and function are either unavailable or do not agree on the potential impact of this missense change (SIFT: "Tolerated"; PolyPhen-2: "Probably Damaging"; Align-GVGD: "Class C0"). This variant has not been reported in the literature in individuals affected with ALG6-related conditions.